The following is an entry in ClinVar:

ClinVar aggregate classification (germline): Uncertain significance (1 of 4 stars; one submission).

Conditions:
DOCK2 deficiency. Also called: Immunodeficiency 40. Identifiers: Orphanet 447737, MedGen C4225328, MONDO:0014637, OMIM 616433.

Submission:

Labcorp Genetics (formerly Invitae), Labcorp
Classification: Uncertain significance for DOCK2 deficiency. Last evaluated: 2025-01-13. Review status: criteria provided, single submitter. Criteria: Invitae Variant Classification Sherloc (09022015). Collection method: clinical testing. Allele origin: germline.
Comment: This sequence change replaces methionine, which is neutral and non-polar, with threonine, which is neutral and polar, at codon 1158 of the DOCK2 protein (p.Met1158Thr). This variant is present in population databases (rs779281264, gnomAD 0.01%). This variant has not been reported in the literature in individuals affected with DOCK2-related conditions. An algorithm developed to predict the effect of missense changes on protein structure and function outputs the following: PolyPhen-2: "Benign". The threonine amino acid residue is found in multiple mammalian species, which suggests that this missense change does not adversely affect protein function. In summary, the available evidence is currently insufficient to determine the role of this variant in disease. Therefore, it has been classified as a Variant of Uncertain Significance.

NM_004946.3(DOCK2):c.3473T>C (p.Met1158Thr)

Gene: DOCK2 (dedicator of cytokinesis 2; plus strand). Cytogenetic location: 5q35.1.
Variant type: single nucleotide variant.
Coding change: c.3473T>C on transcript NM_004946.3 (MANE Select); coding-DNA position 3473, T replaced by C.
Protein change: p.Met1158Thr; replaces methionine 1158 with threonine.
Molecular consequence: missense variant. On other transcripts: non-coding transcript variant (1).
Genome position (GRCh38, 1-based): chr5:170,034,404, T>C. VCF-style: chr5-170034404-T-C. GRCh37 (hg19) VCF-style: chr5-169461408-T-C.
Other names: short protein forms M1158T.
Identifiers: ClinVar variation 3728926 (VCV003728926.1).